The following is an entry in ClinVar:

NM_001113378.2(FANCI):c.824T>C (p.Ile275Thr)

Gene: FANCI (FA complementation group I; plus strand). Cytogenetic location: 15q26.1.
Variant type: single nucleotide variant.
Coding change: c.824T>C on transcript NM_001113378.2 (MANE Select); coding-DNA position 824, T replaced by C.
Protein change: p.Ile275Thr; replaces isoleucine 275 with threonine.
Molecular consequence: missense variant.
Genome position (GRCh38, 1-based): chr15:89,268,467, T>C. VCF-style: chr15-89268467-T-C. GRCh37 (hg19) VCF-style: chr15-89811698-T-C.
Other names: c.545T>C, p.Ile182Thr (NM_001376910.1); c.824T>C, p.Ile275Thr (NM_001376911.1, NM_018193.3); short protein forms I275T, I182T.
Identifiers: ClinVar variation 449021 (VCV000449021.24), dbSNP rs142906652, ClinGen allele CA7722781.

ClinVar aggregate classification (germline): Conflicting classifications of pathogenicity. Review status: criteria provided, conflicting classifications (1 of 4 stars). 12 submissions from 12 submitters: Uncertain significance (9); Benign (1); Likely benign (2). Last evaluated 2026-09-04.

Conditions:
Fanconi anemia (FA). Also called: Fanconi's anemia. Identifiers: Orphanet 84, MedGen C0015625, MeSH D005199, MONDO:0019391.
Fanconi anemia complementation group I (FANCI). Also called: FANCI-Related Fanconi Anemia. Identifiers: Orphanet 84, MedGen C1836861, MONDO:0012186, OMIM 609053.

Allele frequency attached by ClinVar (database versions not stated): 1000 Genomes Project 0.00040; ESP Exome Variant Server 0.00054; gnomAD exomes 0.00055; ExAC 0.00056; TOPMed 0.00060; gnomAD 0.00062 and 0.00071; 1000 Genomes Project 30x 0.00031.
gnomAD v4.1: 1,048 of 1,614,172 alleles (0.065%); highest among the groups gnomAD compares: Non-Finnish European, 0.084%; no homozygotes.

Submissions (12):

GeneDx
Classification: Uncertain significance. Last evaluated: 2026-09-04. Review status: criteria provided, single submitter. Criteria: GeneDx Variant Classification Process June 2021. Collection method: clinical testing. Allele origin: germline.
Comment: Reported in two unrelated individuals with head and neck squamous cell carcinoma, each of whom also harbored variants in other genes associated with this diagnosis (PMID: 28678401); In silico analysis supports that this missense variant has a deleterious effect on protein structure/function; This variant is associated with the following publications: (PMID: 30303537, 34861889, 28678401, 32546565, 36461907, 36356413)

CeGaT Center for Human Genetics Tuebingen
Classification: Likely benign. Last evaluated: 2026-09-01. Review status: criteria provided, single submitter. Criteria: CeGaT Center For Human Genetics Tuebingen Variant Classification Criteria Version 2. Collection method: clinical testing. Allele origin: germline. Affected: yes. Observed: 1 variant allele.
Comment: FANCI: BP4

Labcorp Genetics (formerly Invitae), Labcorp
Classification: Uncertain significance for Fanconi anemia. Last evaluated: 2025-01-29. Review status: criteria provided, single submitter. Criteria: Invitae Variant Classification Sherloc (09022015). Collection method: clinical testing. Allele origin: germline.
Comment: This sequence change replaces isoleucine, which is neutral and non-polar, with threonine, which is neutral and polar, at codon 275 of the FANCI protein (p.Ile275Thr). This variant is present in population databases (rs142906652, gnomAD 0.1%), and has an allele count higher than expected for a pathogenic variant. This missense change has been observed in individual(s) with head and neck squamous cell carcinoma, breast cancer and/or suspected Lynch syndrome (PMID: 28678401, 30303537, 36356413). ClinVar contains an entry for this variant (Variation ID: 449021). Invitae Evidence Modeling of protein sequence and biophysical properties (such as structural, functional, and spatial information, amino acid conservation, physicochemical variation, residue mobility, and thermodynamic stability) indicates that this missense variant is not expected to disrupt FANCI protein function with a negative predictive value of 80%. In summary, the available evidence is currently insufficient to determine the role of this variant in disease. Therefore, it has been classified as a Variant of Uncertain Significance.

Blueprint Genetics
Classification: Benign. Last evaluated: 2024-11-08. Review status: criteria provided, single submitter. Criteria: ACMG Guidelines, 2015. Collection method: clinical testing. Allele origin: germline.

Women's Health and Genetics/Laboratory Corporation of America, LabCorp
Classification: Likely benign. Last evaluated: 2023-12-13. Review status: criteria provided, single submitter. Criteria: LabCorp Variant Classification Summary - May 2015. Collection method: clinical testing. Allele origin: germline.
Comment: Variant summary: FANCI c.824T>C (p.Ile275Thr) results in a non-conservative amino acid change located in the FANCI solenoid 1 domain of the encoded protein sequence. Three of five in-silico tools predict a damaging effect of the variant on protein function. The variant allele was found at a frequency of 0.00055 in 251470 control chromosomes. The observed variant frequency is approximately 1.98 fold of the estimated maximal expected allele frequency for a pathogenic variant in FANCI causing Fanconi Anemia phenotype (0.00028), strongly suggesting that the variant is benign. c.824T>C has been reported in the literature in individuals affected with various cancer phenotypes including colorectal, head and neck and breast cancer (Poliani_2022, Chandrasekharappa_2018, Girard_2019). These reports do not provide unequivocal conclusions about association of the variant with Fanconi Anemia. To our knowledge, no experimental evidence demonstrating an impact on protein function has been reported. The following publications have been ascertained in the context of this evaluation (PMID: 28678401, 30303537, 36356413). Eight submitters have cited clinical-significance assessments for this variant to ClinVar after 2014. All submitters classified the variant as uncertain significance. Based on the evidence outlined above, the variant was classified as likely benign.

Fulgent Genetics
Classification: Uncertain significance for Fanconi anemia complementation group I. Last evaluated: 2022-04-06. Review status: criteria provided, single submitter. Criteria: ACMG Guidelines, 2015. Collection method: clinical testing. Allele origin: unknown.

Sema4
Classification: Uncertain significance for Fanconi anemia. Last evaluated: 2022-03-07. Review status: criteria provided, single submitter. Criteria: Sema4 Curation Guidelines. Collection method: curation. Allele origin: germline.
Comment: The FANCI c.824T>C (p.I275T) variant has been reported in at least two individuals with head and neck squamous cell carcinoma and at least one individual with breast cancer (PMID: 28678401, 30303537), but was also observed in 3 (out of 1199) controls from a breast cancer case-control study (PMID: 30303537). This variant has also been reported in numerous patients (1/516; 12/6385) and controls (5/4878; 13/6115) from ovarian cancer case-control studies (PMID: 34861889, 32546565). It was observed in 139/129172 chromosomes, including 0 homozygotes, in the Non-Finnish European subpopulation in the large and broad cohorts of the Genome Aggregation Database (PMID: 32461654). The variant has been reported in ClinVar (Variation ID: 449021). In silico tools suggest the impact of the variant on protein function is inconclusive, though these predictions have not been confirmed by functional studies. The evidence is insufficient to meet ACMG/AMP criteria for classifying the variant as benign or pathogenic. Thus, the clinical significance of this variant is currently uncertain.

Institute for Clinical Genetics, University Hospital TU Dresden, University Hospital TU Dresden
Classification: Uncertain significance. Last evaluated: 2021-11-03. Review status: criteria provided, single submitter. Criteria: ACMG Guidelines, 2015. Collection method: clinical testing. Allele origin: germline.

Genetic Services Laboratory, University of Chicago
Classification: Uncertain significance. Last evaluated: 2020-03-23. Review status: criteria provided, single submitter. Criteria: ACMG Guidelines, 2015. Collection method: clinical testing. Allele origin: germline. Affected: no.
Comment: DNA sequence analysis of the FANCI gene demonstrated a sequence change, c.824T>C, in exon 10 that results in an amino acid change, p.Ile275Thr. This sequence change has been described in the gnomAD database with a frequency of 0.11% in the European sub-population (dbSNP rs142906652). The p.Ile275Thr change has been described in one individual with head and neck squamous cell carcinoma (PMID: 28678401). The p.Ile275Thr change affects a highly conserved amino acid residue located in a domain of the FANCI protein that is not known to be functional. In-silico predictions pathogenicity prediction tools (SIFT, PoluPhen2, Align GVGD, REVEL) provide contradictory results for the p.Ile275Thr substitution. Due to these contrasting evidences and the lack of functional studies, the clinical significance of the p.Ile275Thr change remains unknown at this time.

Baylor Genetics
Classification: Uncertain significance for Fanconi anemia complementation group I. Last evaluated: 2019-06-12. Review status: criteria provided, single submitter. Criteria: ACMG Guidelines, 2015. Collection method: clinical testing. Allele origin: unknown. Affected: yes.
Comment: This variant was determined to be of uncertain significance according to ACMG Guidelines, 2015 [PMID:25741868].

Illumina Laboratory Services, Illumina
Classification: Uncertain significance for Fanconi anemia complementation group I. Last evaluated: 2017-04-27. Review status: criteria provided, single submitter. Criteria: ICSL Variant Classification Criteria 13 December 2019. Collection method: clinical testing. Allele origin: germline.

Breakthrough Genomics
Classification: Uncertain significance. Review status: criteria provided, single submitter. Criteria: ACMG Guidelines, 2015. Collection method: not provided. Allele origin: germline. Inheritance: Autosomal recessive inheritance. Affected: yes.

Literature cited by the submitters: PubMed 28678401 (cited by 3 submitters); PubMed 30303537 (cited by 3 submitters); PubMed 36356413 (cited by Labcorp Genetics (formerly Invitae), Labcorp and Women's Health and Genetics/Laboratory Corporation of America, LabCorp); PubMed 34861889 (cited by Sema4); PubMed 32546565 (cited by Sema4).